The following is an entry in ClinVar:

NM_006662.3(SRCAP):c.5569C>T (p.Pro1857Ser)

Gene: SRCAP (Snf2 related CREBBP activator protein; plus strand). Cytogenetic location: 16p11.2.
Variant type: single nucleotide variant.
Coding change: c.5569C>T on transcript NM_006662.3 (MANE Select); coding-DNA position 5569, C replaced by T.
Protein change: p.Pro1857Ser; replaces proline 1857 with serine.
Molecular consequence: missense variant.
Genome position (GRCh38, 1-based): chr16:30,724,993, C>T. VCF-style: chr16-30724993-C-T. GRCh37 (hg19) VCF-style: chr16-30736314-C-T.
Other names: short protein forms P1857S.
Identifiers: ClinVar variation 2059812 (VCV002059812.5), dbSNP rs780703722, ClinGen allele CA8012008.
Genomic context (GRCh38, chr16:30,724,993, plus strand): 5'-ATGGTATCCCGGCTGCCTGTTTCCAAGGATGAGCCTGACACACTGACATTGCGCTCTGGT[C>T]CCCCCAGCCCTCCCTCCACTGCTACCTCGTTTGGTGGCCCCCGGCCTCGACGCCAGCCCC-3'
Protein context (NP_006653.2, residues 1847-1867): EPDTLTLRSG[Pro1857Ser]PSPPSTATSF

ClinVar aggregate classification (germline): Uncertain significance. Review status: criteria provided, multiple submitters, no conflicts (2 of 4 stars). 2 submissions from 2 submitters: Uncertain significance (2). Last evaluated 2024-06-18.

Conditions:
Developmental delay, hypotonia, musculoskeletal defects, and behavioral abnormalities. Identifiers: MedGen C5562012, MONDO:0859202, OMIM 619595.
Floating-Harbor syndrome (FLHS). Also called: Short stature with delayed bone age, expressive language delay, a triangular face with a prominent nose and deep-set eyes; Pelletier-Leisti syndrome; SRCAP-Related Floating-Harbor Syndrome. Identifiers: Orphanet 2044, MedGen C0729582, MONDO:0007621, OMIM 136140.

Allele frequency attached by ClinVar (database versions not stated): ExAC 0.00002.

Submissions (2):

Fulgent Genetics
Classification: Uncertain significance for Floating-Harbor syndrome; Developmental delay, hypotonia, musculoskeletal defects, and behavioral abnormalities. Last evaluated: 2024-06-18. Review status: criteria provided, single submitter. Criteria: ACMG Guidelines, 2015. Collection method: clinical testing. Allele origin: germline.

Labcorp Genetics (formerly Invitae), Labcorp
Classification: Uncertain significance. Last evaluated: 2022-08-31. Review status: criteria provided, single submitter. Criteria: Invitae Variant Classification Sherloc (09022015). Collection method: clinical testing. Allele origin: germline.
Comment: In summary, the available evidence is currently insufficient to determine the role of this variant in disease. Therefore, it has been classified as a Variant of Uncertain Significance. Algorithms developed to predict the effect of missense changes on protein structure and function (SIFT, PolyPhen-2, Align-GVGD) all suggest that this variant is likely to be disruptive. This variant has not been reported in the literature in individuals affected with SRCAP-related conditions. This variant is present in population databases (rs780703722, gnomAD 0.003%). This sequence change replaces proline, which is neutral and non-polar, with serine, which is neutral and polar, at codon 1857 of the SRCAP protein (p.Pro1857Ser).